The following is an entry in ClinVar:

NM_001126108.2(SLC12A3):c.1100C>T (p.Pro367Leu)

Gene: SLC12A3 (solute carrier family 12 member 3; plus strand). Cytogenetic location: 16q13.
Variant type: single nucleotide variant.
Coding change: c.1100C>T on transcript NM_001126108.2 (MANE Select); coding-DNA position 1100, C replaced by T.
Protein change: p.Pro367Leu; replaces proline 367 with leucine.
Molecular consequence: missense variant.
Genome position (GRCh38, 1-based): chr16:56,878,081, C>T. VCF-style: chr16-56878081-C-T. GRCh37 (hg19) VCF-style: chr16-56911993-C-T.
Other names: c.1100C>T, p.Pro367Leu (NM_000339.3); c.1097C>T, p.Pro366Leu (NM_001126107.2, NM_001410896.1); short protein forms P366L, P367L.
Identifiers: ClinVar variation 4818182 (VCV004818182.2).

ClinVar aggregate classification (germline): Likely pathogenic (1 of 4 stars; one submission).

Conditions:
Familial hypokalemia-hypomagnesemia (GTLMNS). Also called: HYPOMAGNESEMIA-HYPOKALEMIA, PRIMARY RENOTUBULAR, WITH HYPOCALCIURIA; POTASSIUM AND MAGNESIUM DEPLETION; gitelman syndrome. Identifiers: Orphanet 358, MedGen C0268450, MONDO:0009904, OMIM 263800.

gnomAD v4.1: 10 of 1,521,542 alleles (0.00066%); highest among the groups gnomAD compares: East Asian, 0.0095%; no homozygotes.

Submission:

Natera, Inc.
Classification: Likely pathogenic for Gitelman syndrome. Last evaluated: 2024-11-12. Review status: criteria provided, single submitter. Criteria: Natera Variant Classification Schema (03/2026). Collection method: clinical testing. Allele origin: germline.
Comment: The c.1100C>T variant in SLC12A3 is a missense variant predicted to cause substitution of proline to leucine at amino acid 367. This variant is rare in the general population with a frequency below the threshold expected for the associated phenotype(s). This variant has been observed in one or more individuals affected with the associated recessive disease, as either homozygous or compound heterozygous with a second variant (PMID: 30596175). Computational prediction algorithms indicate this variant is likely to affect gene or protein function. Given the available evidence, this variant is classified as Likely Pathogenic.

Literature cited by the submitters: PubMed 30596175.